The following is an entry in ClinVar:

NM_000631.5(NCF4):c.759-6C>G

Gene: NCF4 (neutrophil cytosolic factor 4; plus strand). Cytogenetic location: 22q12.3.
Variant type: single nucleotide variant.
Coding change: c.759-6C>G on transcript NM_000631.5 (MANE Select); 6 bases into the intron before coding-DNA position 759, C replaced by G.
Molecular consequence: intron variant. On other transcripts: missense variant (1).
Genome position (GRCh38, 1-based): chr22:36,876,023, C>G. VCF-style: chr22-36876023-C-G. GRCh37 (hg19) VCF-style: chr22-37272065-C-G.
Other names: c.998C>G, p.Pro333Arg (NM_013416.4); short protein forms P333R.
Identifiers: ClinVar variation 2047959 (VCV002047959.1), dbSNP rs202038330, ClinGen allele CA10213205.
Genomic context (GRCh38, chr22:36,876,023, plus strand): 5'-CTTTCCCCCACCCCACACCCCACTTCCAGCCTGATGCCTCCTTACTCCAGCCTGTCACCC[C>G]CTTAGGGACATCGCGGTGGAGGAAGATCTCAGCAGCACTCCCCTATTGAAAGACCTGCTG-3'

ClinVar aggregate classification (germline): Uncertain significance (1 of 4 stars; one submission).

Conditions:
Granulomatous disease, chronic, autosomal recessive, cytochrome b-positive, type 3. Also called: GRANULOMATOUS DISEASE, CHRONIC, AUTOSOMAL RECESSIVE, 3; GRANULOMATOUS DISEASE, CHRONIC, DUE TO NCF4 DEFICIENCY; Granulomatous disease, chronic, autosomal recessive, cytochrome b-positive, type III; CGD, AUTOSOMAL RECESSIVE CYTOCHROME b-POSITIVE, TYPE III. Identifiers: Orphanet 379, MedGen C3151409, MONDO:0013507, OMIM 613960.

Submission:

Labcorp Genetics (formerly Invitae), Labcorp
Classification: Uncertain significance for Granulomatous disease, chronic, autosomal recessive, cytochrome b-positive, type 3. Last evaluated: 2022-07-01. Review status: criteria provided, single submitter. Criteria: Invitae Variant Classification Sherloc (09022015). Collection method: clinical testing. Allele origin: germline.
Comment: This sequence change replaces proline, which is neutral and non-polar, with arginine, which is basic and polar, at codon 333 of the NCF4 protein (p.Pro333Arg). This variant is present in population databases (rs202038330, gnomAD 0.006%). This variant has not been reported in the literature in individuals affected with NCF4-related conditions. Algorithms developed to predict the effect of missense changes on protein structure and function are either unavailable or do not agree on the potential impact of this missense change (SIFT: "Tolerated"; PolyPhen-2: "Possibly Damaging"; Align-GVGD: "Class C0"). Algorithms developed to predict the effect of sequence changes on RNA splicing suggest that this variant may disrupt the consensus splice site. In summary, the available evidence is currently insufficient to determine the role of this variant in disease. Therefore, it has been classified as a Variant of Uncertain Significance.